The following is an entry in ClinVar:

NR_003051.4(RMRP):n.129G>C

Gene: RMRP (RNA component of mitochondrial RNA processing endoribonuclease; minus strand). Cytogenetic location: 9p13.3.
Variant type: single nucleotide variant.
Genome position: GRCh38 VCF-style: chr9-35657891-C-G. GRCh37 (hg19) VCF-style: chr9-35657888-C-G.
Identifiers: ClinVar variation 465201 (VCV000465201.50), dbSNP rs74810894, ClinGen allele CA5045839.

ClinVar aggregate classification (germline): Conflicting classifications of pathogenicity. Review status: criteria provided, conflicting classifications (1 of 4 stars). 7 submissions from 7 submitters: Uncertain significance (2); Likely benign (4). 1 of the submissions does not count toward it. Last evaluated 2026-07-01.

Conditions:
Anauxetic dysplasia. Identifiers: Orphanet 93347, MedGen C1846796, MONDO:0011773.
RMRP-related disorder. Also called: RMRP-related condition.
Anauxetic dysplasia 1 (ANXD1). Also called: Anauxetic Dysplasia (AD). Identifiers: Orphanet 93347, MedGen C4551965, MONDO:0054560, OMIM 607095.
Metaphyseal dysplasia without hypotrichosis. Also called: CARTILAGE-HAIR HYPOPLASIA VARIANT, SKELETAL MANIFESTATIONS ONLY; CARTILAGE-HAIR HYPOPLASIA-LIKE SKELETAL DYSPLASIA WITHOUT HYPOTRICHOSIS OR IMMUNODEFICIENCY; Metaphyseal Dysplasia without Hypotrichosis (MDWH). Identifiers: MedGen C1834821, MONDO:0009601, OMIM 250460.
Metaphyseal chondrodysplasia, McKusick type (CHH). Also called: Cartilage-hair hypoplasia; Cartilage-Hair Hypoplasia (CHH). Identifiers: Orphanet 175, MedGen C0220748, MONDO:0009595, OMIM 250250.

Allele frequency attached by ClinVar (database versions not stated): ExAC 0.00084; gnomAD exomes 0.00255; 1000 Genomes Project 0.00280; 1000 Genomes Project 30x 0.00297; gnomAD 0.00319; TOPMed 0.00353.
gnomAD v4.1: 1,856 of 700,432 alleles (0.26%); highest among the groups gnomAD compares: Middle Eastern, 0.91%; 2 homozygotes.

Submissions (7):

CeGaT Center for Human Genetics Tuebingen
Classification: Likely benign. Last evaluated: 2026-07-01. Review status: criteria provided, single submitter. Criteria: CeGaT Center For Human Genetics Tuebingen Variant Classification Criteria Version 2. Collection method: clinical testing. Allele origin: germline. Affected: yes. Observed: 10 variant alleles.
Comment: RMRP: BS1

Labcorp Genetics (formerly Invitae), Labcorp
Classification: Likely benign for Anauxetic dysplasia. Last evaluated: 2026-02-04. Review status: criteria provided, single submitter. Criteria: Invitae Variant Classification Sherloc (09022015). Collection method: clinical testing. Allele origin: germline.

PreventionGenetics, part of Exact Sciences
Classification: Uncertain significance for RMRP-related condition. Last evaluated: 2024-12-26. Review status: criteria provided, single submitter. Criteria: ACMG Guidelines, 2015. Collection method: clinical testing. Allele origin: germline.
Comment: The RMRP n.128G>C is a noncoding alteration. This variant was reported in the homozygous state in at least one individual with primary immunodeficiency, who also carried a homozygous n.*2T>C variant in the RMRP gene (Yu et al. 2016. PubMed ID: 27484032; reported as g.35657888 in Table S2, Platt et al 2020. PubMed ID: 32888943) and found in one individual undergoing carrier testing (Abulí et al. 2016. PubMed ID: 26990548). This variant is reported in 0.81% of alleles in individuals of Ashkenazi Jewish descent in gnomAD. In ClinVar, this variant is interpreted as likely benign/uncertain. Although we suspect this variant could be benign, at this time, the clinical significance of this variant is uncertain due to the absence of conclusive functional and genetic evidence.

Blueprint Genetics
Classification: Likely benign. Last evaluated: 2024-11-25. Review status: criteria provided, single submitter. Criteria: ACMG Guidelines, 2015. Collection method: clinical testing. Allele origin: germline.

Women's Health and Genetics/Laboratory Corporation of America, LabCorp
Classification: Likely benign. Last evaluated: 2022-01-28. Review status: criteria provided, single submitter. Criteria: LabCorp Variant Classification Summary - May 2015. Collection method: clinical testing. Allele origin: germline.
Comment: Variant summary: RMRP n.128G>C alters a nucleotide in the non-coding RNA. The variant allele was found at a frequency of 0.0026 in 130502 control chromosomes (gnomAD). This frequency is not higher than expected for a pathogenic variant in RMRP causing Cartilage-Hair Hypoplasia (0.0026 vs 0.0072), allowing no conclusion about variant significance. n.128G>C has been reported in the literature in two homozygous individuals affected with primary immunodeficiency (Yu_2016, Platt_2021) but it has also been reported as homozygous occurrence in one control individual in gnomAD v3.1.2. Furthermore, the variant has been observed in another control individual in proven compound heterozygosity with a known pathogenic variant (n.71A>G) (Bonafe_2005). To our knowledge, no experimental evidence demonstrating an impact on protein function has been reported. Three clinical diagnostic laboratories have submitted clinical-significance assessments for this variant to ClinVar after 2014 and classified the variant as likely benign. Based on the evidence outlined above, the variant was classified as likely benign for Cartilage-Hair Hypoplasia.

Center for Genomics, Ann and Robert H. Lurie Children's Hospital of Chicago
Classification: Uncertain significance for Anauxetic dysplasia 1; Metaphyseal chondrodysplasia, McKusick type; Metaphyseal dysplasia without hypotrichosis. Review status: criteria provided, single submitter. Criteria: ACMG Guidelines, 2015. Collection method: clinical testing. Allele origin: germline.
Comment: RMRP NR_003051.3 exon 1 n.128G>C: This variant has not been reported in the literature but is present in 0.5% (223/41466) of African alleles including 1 homozygote in the Genome Aggregation Database.This variant is present in ClinVar (Variation ID:465201). Evolutionary conservation and computational predictive tools for this variant are limited or unavailable. In summary, data on this variant is insufficient for disease classification. Therefore, the clinical significance of this variant is uncertain

Natera, Inc.
Classification: Likely benign for Cartilage-hair hypoplasia. Last evaluated: 2020-01-08. Review status: no assertion criteria provided. Collection method: clinical testing. Allele origin: germline. Not counted in ClinVar's aggregate classification.

Literature cited by the submitters: PubMed 16244706 (cited by Women's Health and Genetics/Laboratory Corporation of America, LabCorp); PubMed 16838329 (cited by Women's Health and Genetics/Laboratory Corporation of America, LabCorp); PubMed 27484032 (cited by Women's Health and Genetics/Laboratory Corporation of America, LabCorp); PubMed 32888943 (cited by Women's Health and Genetics/Laboratory Corporation of America, LabCorp).